The following is an entry in ClinVar:

ClinVar aggregate classification (germline): Uncertain significance (1 of 4 stars; one submission).

Conditions:
Inborn genetic diseases. Identifiers: MedGen C0950123, MeSH D030342.

Allele frequency attached by ClinVar (database versions not stated): gnomAD exomes below 0.00001.

Submission:

Ambry Genetics
Classification: Uncertain significance for Inborn genetic diseases. Last evaluated: 2022-08-22. Review status: criteria provided, single submitter. Criteria: Ambry Variant Classification Scheme 2023. Collection method: clinical testing. Allele origin: germline.
Comment: The p.L226F variant (also known as c.676C>T), located in coding exon 7 of the MDH2 gene, results from a C to T substitution at nucleotide position 676. The leucine at codon 226 is replaced by phenylalanine, an amino acid with highly similar properties. This amino acid position is conserved. In addition, the in silico prediction for this alteration is inconclusive. Since supporting evidence is limited at this time, the clinical significance of this alteration remains unclear.

NM_005918.4(MDH2):c.676C>T (p.Leu226Phe)

Gene: MDH2 (malate dehydrogenase 2; plus strand). Cytogenetic location: 7q11.23.
Variant type: single nucleotide variant.
Coding change: c.676C>T on transcript NM_005918.4 (MANE Select); coding-DNA position 676, C replaced by T.
Protein change: p.Leu226Phe; replaces leucine 226 with phenylalanine.
Molecular consequence: missense variant.
Genome position (GRCh38, 1-based): chr7:76,064,381, C>T. VCF-style: chr7-76064381-C-T. GRCh37 (hg19) VCF-style: chr7-75693699-C-T.
Other names: c.550C>T, p.Leu184Phe (NM_001282403.2); c.355C>T, p.Leu119Phe (NM_001282404.2); short protein forms L226F, L119F, L184F.
Identifiers: ClinVar variation 1755336 (VCV001755336.2), dbSNP rs2535871647, ClinGen allele CA367767384.